The following is an entry in ClinVar:

NM_017807.4(OSGEP):c.319G>A (p.Val107Met)

Genes: OSGEP (O-sialoglycoprotein endopeptidase; minus strand), LOC107372315 (OSGEP/APEX1 bi-directional promoter region; plus strand). Cytogenetic location: 14q11.2.
Variant type: single nucleotide variant.
Coding change: c.319G>A on transcript NM_017807.4 (MANE Select); coding-DNA position 319, G replaced by A.
Protein change: p.Val107Met; replaces valine 107 with methionine.
Molecular consequence: missense variant.
Genome position (GRCh38, 1-based): chr14:20,452,066, C>T on the plus strand (G>A on the coding strand, the complement: OSGEP is on the minus strand). VCF-style: chr14-20452066-C-T. GRCh37 (hg19) VCF-style: chr14-20920225-C-T.
Other names: short protein forms V107M.
Identifiers: ClinVar variation 521157 (VCV000521157.7), dbSNP rs140583554, ClinGen allele CA7081272.

ClinVar aggregate classification (germline): Likely pathogenic. Review status: criteria provided, multiple submitters, no conflicts (2 of 4 stars). 2 submissions from 2 submitters: Likely pathogenic (2). Last evaluated 2022-02-23.

Conditions:
Galloway-Mowat syndrome 3. Identifiers: MedGen C4540266, MONDO:0033007, OMIM 617729.
Inborn genetic diseases. Identifiers: MedGen C0950123, MeSH D030342.

Allele frequency attached by ClinVar (database versions not stated): ExAC 0.00002; gnomAD exomes 0.00002 and 0.00008; gnomAD 0.00007 and 0.00008; TOPMed 0.00007.
gnomAD v4.1: 129 of 1,613,806 alleles (0.008%); highest among the groups gnomAD compares: Non-Finnish European, 0.011%; no homozygotes.

Submissions (2):

Greenwood Genetic Center Diagnostic Laboratories, Greenwood Genetic Center
Classification: Likely pathogenic for Galloway-Mowat syndrome 3. Last evaluated: 2022-02-23. Review status: criteria provided, single submitter. Criteria: ACMG Guidelines, 2015. Collection method: clinical testing. Allele origin: germline. Affected: yes.
Comment: PM2, PM3, PP1, PP3

Ambry Genetics
Classification: Likely pathogenic for Inborn genetic diseases. Last evaluated: 2017-08-21. Review status: criteria provided, single submitter. Criteria: Ambry exome assertion method (8-5-2015). Collection method: clinical testing. Allele origin: germline. Affected: yes. Observed: 1 variant allele.

Literature cited by the submitters: PubMed 28805828 (cited by Ambry Genetics).